The following is an entry in ClinVar:

NM_000138.5(FBN1):c.8069T>A (p.Met2690Lys)

Gene: FBN1 (fibrillin 1; minus strand). Cytogenetic location: 15q21.1.
Variant type: single nucleotide variant.
Coding change: c.8069T>A on transcript NM_000138.5 (MANE Select); coding-DNA position 8069, T replaced by A.
Protein change: p.Met2690Lys; replaces methionine 2690 with lysine.
Molecular consequence: missense variant.
Genome position (GRCh38, 1-based): chr15:48,412,726, A>T on the plus strand (T>A on the coding strand, the complement: FBN1 is on the minus strand). VCF-style: chr15-48412726-A-T. GRCh37 (hg19) VCF-style: chr15-48704923-A-T.
Other names: short protein forms M2690K.
Identifiers: ClinVar variation 950683 (VCV000950683.9), dbSNP rs747476726, ClinGen allele CA392321607.

ClinVar aggregate classification (germline): Uncertain significance (1 of 4 stars; one submission).

Conditions:
Familial thoracic aortic aneurysm and aortic dissection (TAAD). Also called: Thoracic aortic aneurysms and dissections. Identifiers: Orphanet 91387, MedGen C4707243, MONDO:0019625.
Marfan syndrome (MFS). Also called: Marfan syndrome, classic; Marfan syndrome type 1; Marfan's syndrome; FBN1-Related Marfan Syndrome; MARFAN SYNDROME, TYPE I. Identifiers: Orphanet 284963, Orphanet 558, MedGen C0024796, MONDO:0007947, OMIM 154700.

gnomAD v4.1: 1 of 1,614,226 alleles (0.000062%); highest among the groups gnomAD compares: South Asian, 0.0011%; no homozygotes.

Submission:

Labcorp Genetics (formerly Invitae), Labcorp
Classification: Uncertain significance for Marfan syndrome; Familial thoracic aortic aneurysm and aortic dissection. Last evaluated: 2022-07-06. Review status: criteria provided, single submitter. Criteria: Invitae Variant Classification Sherloc (09022015). Collection method: clinical testing. Allele origin: germline.
Comment: In summary, the available evidence is currently insufficient to determine the role of this variant in disease. Therefore, it has been classified as a Variant of Uncertain Significance. Algorithms developed to predict the effect of sequence changes on RNA splicing suggest that this variant may create or strengthen a splice site. Advanced modeling of protein sequence and biophysical properties (such as structural, functional, and spatial information, amino acid conservation, physicochemical variation, residue mobility, and thermodynamic stability) performed at Invitae indicates that this missense variant is not expected to disrupt FBN1 protein function. ClinVar contains an entry for this variant (Variation ID: 950683). This variant has not been reported in the literature in individuals affected with FBN1-related conditions. This variant is not present in population databases (gnomAD no frequency). This sequence change replaces methionine, which is neutral and non-polar, with lysine, which is basic and polar, at codon 2690 of the FBN1 protein (p.Met2690Lys).